The following is an entry in ClinVar:

NM_024496.4(IRF2BPL):c.227T>A (p.Val76Asp)

Genes: IRF2BPL (interferon regulatory factor 2 binding protein like; minus strand), LOC107984638 (uncharacterized LOC107984638; plus strand). Cytogenetic location: 14q24.3.
Variant type: single nucleotide variant.
Coding change: c.227T>A on transcript NM_024496.4 (MANE Select); coding-DNA position 227, T replaced by A.
Protein change: p.Val76Asp; replaces valine 76 with aspartic acid.
Molecular consequence: missense variant. On other transcripts: non-coding transcript variant (3).
Genome position (GRCh38, 1-based): chr14:77,027,566, A>T on the plus strand (T>A on the coding strand, the complement: IRF2BPL is on the minus strand). VCF-style: chr14-77027566-A-T. GRCh37 (hg19) VCF-style: chr14-77493909-A-T.
Other names: short protein forms V76D.
Identifiers: ClinVar variation 4885843 (VCV004885843.2).

ClinVar aggregate classification (germline): Uncertain significance (1 of 4 stars; one submission).

Submission:

Dasa
Classification: Uncertain significance. Last evaluated: 2024-11-08. Review status: criteria provided, single submitter. Criteria: DASA Assertion Criteria. Collection method: clinical testing. Allele origin: germline.
Comment: NM_024496.4(IRF2BPL):c.227T>A (p.Val76Asp) is a missense variant that results in the substitution of valine with aspartic acid. This variant is absent from population databases. Computational prediction algorithms are consistent with a benign effect. The currently available literature and clinical evidence are not sufficient to establish a definitive association between this variant and the reported condition. Therefore, this variant is classified as a variant of uncertain significance.